The following is an entry in ClinVar:

ClinVar aggregate classification (germline): Uncertain significance (1 of 4 stars; one submission).

Conditions:
GPRASP2-related disorder. Also called: GPRASP2-related condition.

Submission:

PreventionGenetics, part of Exact Sciences
Classification: Uncertain significance for GPRASP2-related condition. Last evaluated: 2024-10-17. Review status: criteria provided, single submitter. Criteria: ACMG Guidelines, 2015. Collection method: clinical testing. Allele origin: germline.
Comment: The GPRASP2 c.1755C>G variant is predicted to result in the amino acid substitution p.Ser585Arg. To our knowledge, this variant has not been reported in the literature. This variant is reported in 0.0036% of alleles in individuals of Latino descent in gnomAD. At this time, the clinical significance of this variant is uncertain due to the absence of conclusive functional and genetic evidence.

NM_001004051.4(GPRASP2):c.1755C>G (p.Ser585Arg)

Genes: ARMCX5-GPRASP2 (ARMCX5-GPRASP2 readthrough; plus strand), GPRASP2 (G protein-coupled receptor associated sorting protein 2; plus strand). Cytogenetic location: Xq22.1.
Variant type: single nucleotide variant.
Coding change: c.1755C>G on transcript NM_001004051.4 (MANE Select); coding-DNA position 1755, C replaced by G.
Protein change: p.Ser585Arg; replaces serine 585 with arginine.
Molecular consequence: missense variant. On other transcripts: intron variant (3).
Genome position (GRCh38, 1-based): chrX:102,716,624, C>G. VCF-style: chrX-102716624-C-G. GRCh37 (hg19) VCF-style: chrX-101971552-C-G.
Other names: c.1755C>G, p.Ser585Arg (NM_001199818.1, NM_001184874.3, NM_001184875.3 and 2 more transcripts); c.-820+2358C>G (NM_001350268.2); c.-752+2358C>G (NM_001350269.2); c.-721+2358C>G (NM_001350270.1); short protein forms S585R.
Identifiers: ClinVar variation 4977964 (VCV004977964.1).